The following is an entry in ClinVar:

ClinVar aggregate classification (germline): Uncertain significance. Review status: criteria provided, multiple submitters, no conflicts (2 of 4 stars). 2 submissions from 2 submitters: Uncertain significance (2). Last evaluated 2025-04-17.

Submissions (2):

Labcorp Genetics (formerly Invitae), Labcorp
Classification: Uncertain significance. Last evaluated: 2025-04-17. Review status: criteria provided, single submitter. Criteria: Invitae Variant Classification Sherloc (09022015). Collection method: clinical testing. Allele origin: germline.
Comment: This sequence change replaces alanine, which is neutral and non-polar, with valine, which is neutral and non-polar, at codon 615 of the MKL1 protein (p.Ala615Val). The frequency data for this variant in the population databases is considered unreliable, as metrics indicate poor data quality at this position in the gnomAD database. This variant has not been reported in the literature in individuals affected with MKL1-related conditions. An algorithm developed to predict the effect of missense changes on protein structure and function (PolyPhen-2) suggests that this variant is likely to be tolerated. In summary, the available evidence is currently insufficient to determine the role of this variant in disease. Therefore, it has been classified as a Variant of Uncertain Significance.

Ambry Genetics
Classification: Uncertain significance. Last evaluated: 2025-02-04. Review status: criteria provided, single submitter. Criteria: Ambry Variant Classification Scheme 2023. Collection method: clinical testing. Allele origin: germline.

NM_020831.6(MRTFA):c.2144C>T (p.Ala715Val)

Gene: MRTFA (myocardin related transcription factor A; minus strand). Cytogenetic location: 22q13.1.
Variant type: single nucleotide variant.
Coding change: c.2144C>T on transcript NM_020831.6 (MANE Select); coding-DNA position 2144, C replaced by T.
Protein change: p.Ala715Val; replaces alanine 715 with valine.
Molecular consequence: missense variant.
Genome position (GRCh38, 1-based): chr22:40,418,594, G>A on the plus strand (C>T on the coding strand, the complement: MRTFA is on the minus strand). VCF-style: chr22-40418594-G-A. GRCh37 (hg19) VCF-style: chr22-40814598-G-A.
Other names: c.1844C>T, p.Ala615Val (NM_001282660.2); c.1994C>T, p.Ala665Val (NM_001282661.3); c.2144C>T, p.Ala715Val (NM_001282662.3); c.1949C>T, p.Ala650Val (NM_001318139.2); short protein forms A615V, A650V, A715V, A665V.
Identifiers: ClinVar variation 3874782 (VCV003874782.2).